The following is an entry in ClinVar:

ClinVar aggregate classification (germline): Likely benign (1 of 4 stars; one submission).

Conditions:
Arrhythmogenic right ventricular cardiomyopathy (ARVD). Also called: Arrhythmogenic right ventricular dysplasia; Cardiomyopathy, ARVC; Arrhythmogenic cardiomyopathy; Arrhythmogenic Right Ventricular Cardiomyopathy (ARVC). Identifiers: Orphanet 247, MedGen C0349788, MeSH D019571, MONDO:0016587. Disease mechanism: loss of function. Inheritance: Various modes of inheritance.

Submission:

All of Us Research Program, National Institutes of Health
Classification: Likely benign for Arrhythmogenic right ventricular cardiomyopathy. Last evaluated: 2024-06-09. Review status: criteria provided, single submitter. Criteria: ACMG Guidelines, 2015. Collection method: clinical testing. Allele origin: germline. Inheritance: Autosomal dominant inheritance. Observed: 1 variant allele, 1 heterozygote.
Comment: This study involves interpretation of variants in research participants for the purpose of population health screening. Participant phenotype was not available at the time of variant classification. Additional details can be found in publication PMID: 35346344, PMCID: PMC8962531

NM_001943.5(DSG2):c.2187T>C (p.Ala729=)

Genes: DSG2 (desmoglein 2; plus strand), DSG2-AS1 (DSG2 antisense RNA 1; minus strand). Cytogenetic location: 18q12.1.
Variant type: single nucleotide variant.
Coding change: c.2187T>C on transcript NM_001943.5 (MANE Select); coding-DNA position 2187, T replaced by C.
Protein change: p.Ala729=; no amino-acid change (alanine 729 retained).
Molecular consequence: synonymous variant.
Genome position (GRCh38, 1-based): chr18:31,542,705, T>C. VCF-style: chr18-31542705-T-C. GRCh37 (hg19) VCF-style: chr18-29122668-T-C.
Identifiers: ClinVar variation 3386597 (VCV003386597.1).